The following is an entry in ClinVar:

ClinVar aggregate classification (germline): Likely benign (1 of 4 stars; one submission).

Allele frequency attached by ClinVar (database versions not stated): TOPMed below 0.00001; gnomAD 0.00001.
gnomAD v4.1: 1 of 1,550,924 alleles (0.000064%); highest among the groups gnomAD compares: Non-Finnish European, 0.000087%; no homozygotes.

Submission:

CeGaT Center for Human Genetics Tuebingen
Classification: Likely benign. Last evaluated: 2023-01-01. Review status: criteria provided, single submitter. Criteria: CeGaT Center For Human Genetics Tuebingen Variant Classification Criteria Version 2. Collection method: clinical testing. Allele origin: germline. Affected: yes. Observed: 1 variant allele.
Comment: AK9: BP4, BP7

NM_001145128.3(AK9):c.2466T>C (p.Tyr822=)

Gene: AK9 (adenylate kinase 9; minus strand). Cytogenetic location: 6q21.
Variant type: single nucleotide variant.
Coding change: c.2466T>C on transcript NM_001145128.3 (MANE Select); coding-DNA position 2466, T replaced by C.
Protein change: p.Tyr822=; no amino-acid change (tyrosine 822 retained).
Molecular consequence: synonymous variant.
Genome position (GRCh38, 1-based): chr6:109,564,249, A>G on the plus strand (T>C on the coding strand, the complement: AK9 is on the minus strand). VCF-style: chr6-109564249-A-G. GRCh37 (hg19) VCF-style: chr6-109885452-A-G.
Identifiers: ClinVar variation 2656830 (VCV002656830.24), dbSNP rs1397498405, ClinGen allele CA451749823.
Genomic context (GRCh38, chr6:109,564,249, plus strand): 5'-CCAGAGGATGATGAAAGAACCAATCTTCTCTTTAAATGGCTCCATTTCGGGAACATCAGG[A>G]TAAGAGTCTTCTGGAAACTCAGGTAGTACAACTTTGGAGTAAAAGACAAAGGAAAGAAAA-3'
Protein context (NP_001138600.2, residues 812-832): VVLPEFPEDS[Tyr822=]PDVPEMEPFK